The following is an entry in ClinVar:

NM_033380.3(COL4A5):c.224G>T (p.Gly75Val)

Gene: COL4A5 (collagen type IV alpha 5 chain; plus strand). Cytogenetic location: Xq22.3.
Variant type: single nucleotide variant.
Coding change: c.224G>T on transcript NM_033380.3 (MANE Select); coding-DNA position 224, G replaced by T.
Protein change: p.Gly75Val; replaces glycine 75 with valine.
Molecular consequence: missense variant.
Genome position (GRCh38, 1-based): chrX:108,559,146, G>T. VCF-style: chrX-108559146-G-T. GRCh37 (hg19) VCF-style: chrX-107802376-G-T.
Other names: c.224G>T, p.Gly75Val (NM_000495.5); short protein forms G75V.
Identifiers: ClinVar variation 2757600 (VCV002757600.3), dbSNP rs2524162968, ClinGen allele CA413914897.

ClinVar aggregate classification (germline): Likely pathogenic (1 of 4 stars; one submission).

Submission:

Labcorp Genetics (formerly Invitae), Labcorp
Classification: Likely pathogenic. Last evaluated: 2023-09-05. Review status: criteria provided, single submitter. Criteria: Invitae Variant Classification Sherloc (09022015). Collection method: clinical testing. Allele origin: germline.
Comment: This variant has not been reported in the literature in individuals affected with COL4A5-related conditions. In summary, the currently available evidence indicates that the variant is pathogenic, but additional data are needed to prove that conclusively. Therefore, this variant has been classified as Likely Pathogenic. This variant disrupts the triple helix domain of COL4A5. Glycine residues within the Gly-Xaa-Yaa repeats of the triple helix domain are required for the structure and stability of fibrillar collagens (PMID: 7695699, 8218237, 19344236). In COL4A5, missense variants at these glycine residues are significantly enriched in individuals with disease (PMID: 23720012, 27627812) compared to the general population (ExAC). Advanced modeling of protein sequence and biophysical properties (such as structural, functional, and spatial information, amino acid conservation, physicochemical variation, residue mobility, and thermodynamic stability) performed at Invitae indicates that this missense variant is expected to disrupt COL4A5 protein function. This variant is not present in population databases (gnomAD no frequency). This sequence change replaces glycine, which is neutral and non-polar, with valine, which is neutral and non-polar, at codon 75 of the COL4A5 protein (p.Gly75Val).

Literature cited by the submitters: PubMed 7695699; PubMed 8218237; PubMed 19344236; PubMed 23720012; PubMed 27627812.